The following is an entry in ClinVar:

NM_004947.5(DOCK3):c.2034G>A (p.Lys678=)

Gene: DOCK3 (dedicator of cytokinesis 3; plus strand). Cytogenetic location: 3p21.2.
Variant type: single nucleotide variant.
Coding change: c.2034G>A on transcript NM_004947.5 (MANE Select); coding-DNA position 2034, G replaced by A.
Protein change: p.Lys678=; no amino-acid change (lysine 678 retained).
Molecular consequence: synonymous variant.
Genome position (GRCh38, 1-based): chr3:51,237,522, G>A. VCF-style: chr3-51237522-G-A. GRCh37 (hg19) VCF-style: chr3-51274953-G-A.
Identifiers: ClinVar variation 3390142 (VCV003390142.14).
Genomic context (GRCh38, chr3:51,237,522, plus strand): 5'-CTGATGGCTTACTCTCCATATCTCCCAGGTGTTCATCATCAACCTGCTCCGAGACATCAA[G>A]TATTTTCACTTTCGACCTGTGATGGACACGTATATCCAGAAGCACTTTGCTGGAGCTCTG-3'
Protein context (NP_004938.1, residues 668-688): VFIINLLRDI[Lys678=]YFHFRPVMDT

ClinVar aggregate classification (germline): Likely benign (1 of 4 stars; one submission).

Submission:

CeGaT Center for Human Genetics Tuebingen
Classification: Likely benign. Last evaluated: 2024-11-01. Review status: criteria provided, single submitter. Criteria: CeGaT Center For Human Genetics Tuebingen Variant Classification Criteria Version 2. Collection method: clinical testing. Allele origin: germline. Affected: yes. Observed: 1 variant allele.
Comment: DOCK3: PM2:Supporting, BP4, BP7